The following is an entry in ClinVar:

NM_001127222.2(CACNA1A):c.884A>T (p.Asn295Ile)

Gene: CACNA1A (calcium voltage-gated channel subunit alpha1 A; minus strand). Cytogenetic location: 19p13.13.
Variant type: single nucleotide variant.
Coding change: c.884A>T on transcript NM_001127222.2 (MANE Select); coding-DNA position 884, A replaced by T.
Protein change: p.Asn295Ile; replaces asparagine 295 with isoleucine.
Molecular consequence: missense variant.
Genome position (GRCh38, 1-based): chr19:13,359,700, T>A on the plus strand (A>T on the coding strand, the complement: CACNA1A is on the minus strand). VCF-style: chr19-13359700-T-A. GRCh37 (hg19) VCF-style: chr19-13470514-T-A.
Other names: c.884A>T, p.Asn295Ile (NM_000068.4, NM_001127221.2, NM_001174080.2 and 1 more transcripts); short protein forms N295I.
Identifiers: ClinVar variation 4085148 (VCV004085148.8).

ClinVar aggregate classification (germline): Uncertain significance (1 of 4 stars; one submission).

Submission:

CeGaT Center for Human Genetics Tuebingen
Classification: Uncertain significance. Last evaluated: 2025-06-01. Review status: criteria provided, single submitter. Criteria: CeGaT Center For Human Genetics Tuebingen Variant Classification Criteria Version 2. Collection method: clinical testing. Allele origin: germline. Affected: yes. Observed: 1 variant allele.
Comment: CACNA1A: PM2, PP2